The following is an entry in ClinVar:

NC_000001.11:g.(155641696_155642174)_(155747546_155777277)del

Genes: DAP3 (death associated protein 3; plus strand), GON4L (gon-4 like; minus strand), SCARNA26A (small Cajal body-specific RNA 26A; minus strand), YY1AP1 (YY1 associated protein 1; minus strand), LOC129931572 (ATAC-STARR-seq lymphoblastoid active region 1818; plus strand) and 1 more. Cytogenetic location: 1q22.
Variant type: Deletion.
Identifiers: ClinVar variation 3385343 (VCV003385343.1).

ClinVar aggregate classification (germline): Likely pathogenic (0 of 4 stars; one submission).

Conditions:
Perrault syndrome 1 (PRLTS1). Also called: GONADAL DYSGENESIS, XX TYPE, WITH DEAFNESS; OVARIAN DYSGENESIS WITH SENSORINEURAL DEAFNESS. Identifiers: Orphanet 2855, Orphanet 642945, MedGen C4551721, MONDO:0009300, OMIM 233400.

Submission:

Newman Lab, University of Manchester
Classification: Likely pathogenic for Perrault syndrome 1. Last evaluated: 2024-12-09. Review status: no assertion criteria provided. Collection method: research. Allele origin: germline. Affected: yes. Observed: 2 variant alleles.
Comment: loss of the entire DAP3 gene - consistent with haploinsufficiency when in trans with a hypomorphic allele results in a phenotype